The following is an entry in ClinVar:

ClinVar aggregate classification (germline): Uncertain significance. Review status: criteria provided, multiple submitters, no conflicts (2 of 4 stars). 3 submissions from 3 submitters: Uncertain significance (3). Last evaluated 2020-07-08.

Conditions:
Familial thoracic aortic aneurysm and aortic dissection (TAAD). Also called: Thoracic aortic aneurysms and dissections. Identifiers: Orphanet 91387, MedGen C4707243, MONDO:0019625.
Loeys-Dietz syndrome 4 (LDS4). Also called: TGFB2-Related Loeys-Dietz Syndrome; ANEURYSM, AORTIC AND CEREBRAL, WITH ARTERIAL TORTUOSITY AND SKELETAL MANIFESTATIONS. Identifiers: MedGen C3553762, MONDO:0013897, OMIM 614816.

Submissions (3):

Labcorp Genetics (formerly Invitae), Labcorp
Classification: Uncertain significance for Loeys-Dietz syndrome 4. Last evaluated: 2020-07-08. Review status: criteria provided, single submitter. Criteria: Invitae Variant Classification Sherloc (09022015). Collection method: clinical testing. Allele origin: germline.
Comment: In summary, the available evidence is currently insufficient to determine the role of this variant in disease. Therefore, it has been classified as a Variant of Uncertain Significance. Algorithms developed to predict the effect of missense changes on protein structure and function (SIFT, PolyPhen-2, Align-GVGD) all suggest that this variant is likely to be disruptive, but these predictions have not been confirmed by published functional studies and their clinical significance is uncertain. This variant has not been reported in the literature in individuals with TGFB2-related conditions. ClinVar contains an entry for this variant (Variation ID: 520195). This variant is not present in population databases (ExAC no frequency). This sequence change replaces leucine with arginine at codon 48 of the TGFB2 protein (p.Leu48Arg). The leucine residue is highly conserved and there is a moderate physicochemical difference between leucine and arginine.

Stanford Center for Inherited Cardiovascular Disease, Stanford University
Classification: Uncertain significance. Last evaluated: 2016-08-03. Review status: criteria provided, single submitter. Criteria: ACMG Guidelines, 2015. Collection method: provider interpretation. Allele origin: germline.

Ambry Genetics
Classification: Uncertain significance for Familial thoracic aortic aneurysm and aortic dissection. Last evaluated: 2016-05-12. Review status: criteria provided, single submitter. Criteria: Ambry Variant Classification Scheme 2023. Collection method: clinical testing. Allele origin: germline.
Comment: The p.L48R variant (also known as c.143T>G), located in coding exon 1 of the TGFB2 gene, results from a T to G substitution at nucleotide position 143. The leucine at codon 48 is replaced by arginine, an amino acid with dissimilar properties. This variant was not reported in population based cohorts in the following databases: Database of Single Nucleotide Polymorphisms (dbSNP), NHLBI Exome Sequencing Project (ESP), and 1000 Genomes Project. In the ESP, this variant was not observed in 6503 samples (13006 alleles) with coverage at this position. This amino acid position is highly conserved in available vertebrate species. In addition, this alteration is predicted to be deleterious by in silico analysis. Since supporting evidence is limited at this time, the clinical significance of this variant remains unclear.

NM_003238.6(TGFB2):c.143T>G (p.Leu48Arg)

Gene: TGFB2 (transforming growth factor beta 2; plus strand). Cytogenetic location: 1q41.
Variant type: single nucleotide variant.
Coding change: c.143T>G on transcript NM_003238.6 (MANE Select); coding-DNA position 143, T replaced by G.
Protein change: p.Leu48Arg; replaces leucine 48 with arginine.
Molecular consequence: missense variant. On other transcripts: non-coding transcript variant (2).
Genome position (GRCh38, 1-based): chr1:218,346,844, T>G. VCF-style: chr1-218346844-T-G. GRCh37 (hg19) VCF-style: chr1-218520186-T-G.
Other names: c.143T>G, p.Leu48Arg (NM_001135599.4); short protein forms L48R.
Identifiers: ClinVar variation 520195 (VCV000520195.18), dbSNP rs1553292088, ClinGen allele CA344725383.